The following is an entry in ClinVar:

ClinVar aggregate classification (germline): Uncertain significance (1 of 4 stars; one submission).

Conditions:
Inborn genetic diseases. Identifiers: MedGen C0950123, MeSH D030342.

Submission:

Ambry Genetics
Classification: Uncertain significance for Inborn genetic diseases. Last evaluated: 2025-05-17. Review status: criteria provided, single submitter. Criteria: Ambry Variant Classification Scheme 2023. Collection method: clinical testing. Allele origin: germline.
Comment: The p.A915V variant (also known as c.2744C>T), located in coding exon 1 of the SAMD9 gene, results from a C to T substitution at nucleotide position 2744. The alanine at codon 915 is replaced by valine, an amino acid with similar properties. This amino acid position is conserved. In addition, this alteration is predicted to be tolerated by in silico analysis. Based on the available evidence, the clinical significance of this variant remains unclear.

NM_017654.4(SAMD9):c.2744C>T (p.Ala915Val)

Gene: SAMD9 (sterile alpha motif domain containing 9; minus strand). Cytogenetic location: 7q21.2.
Variant type: single nucleotide variant.
Coding change: c.2744C>T on transcript NM_017654.4 (MANE Select); coding-DNA position 2744, C replaced by T.
Protein change: p.Ala915Val; replaces alanine 915 with valine.
Molecular consequence: missense variant.
Genome position (GRCh38, 1-based): chr7:93,103,354, G>A on the plus strand (C>T on the coding strand, the complement: SAMD9 is on the minus strand). VCF-style: chr7-93103354-G-A. GRCh37 (hg19) VCF-style: chr7-92732667-G-A.
Other names: c.2744C>T, p.Ala915Val (NM_001193307.2); short protein forms A915V.
Identifiers: ClinVar variation 3949637 (VCV003949637.1).
Genomic context (GRCh38, chr7:93,103,354, plus strand): 5'-AGTGAAATGGTGGTATCAGGCACATATGAATTAAGAAGAGCCAGAAAAGAAAAGAGCTTT[G>A]CTTCCTTGGTGAAAATATTCTGCCCTTTCAGGATATTCCGGACCACATTTTCTATGTATT-3'
Protein context (NP_060124.2, residues 905-925): LKGQNIFTKE[Ala915Val]KLFSFLALLN